The following is an entry in ClinVar:

ClinVar aggregate classification (germline): Uncertain significance (1 of 4 stars; one submission).

gnomAD v4.1: 4 of 1,613,938 alleles (0.00025%); highest among the groups gnomAD compares: Non-Finnish European, 0.00034%; no homozygotes.

Submission:

Labcorp Genetics (formerly Invitae), Labcorp
Classification: Uncertain significance. Last evaluated: 2025-03-26. Review status: criteria provided, single submitter. Criteria: Invitae Variant Classification Sherloc (09022015). Collection method: clinical testing. Allele origin: germline.
Comment: This sequence change replaces glycine, which is neutral and non-polar, with valine, which is neutral and non-polar, at codon 202 of the MICAL1 protein (p.Gly202Val). This variant is not present in population databases (gnomAD no frequency). This variant has not been reported in the literature in individuals affected with MICAL1-related conditions. An algorithm developed to predict the effect of missense changes on protein structure and function (PolyPhen-2) suggests that this variant is likely to be disruptive. In summary, the available evidence is currently insufficient to determine the role of this variant in disease. Therefore, it has been classified as a Variant of Uncertain Significance.

NM_022765.4(MICAL1):c.548G>T (p.Gly183Val)

Gene: MICAL1 (microtubule associated monooxygenase, calponin and LIM domain containing 1; minus strand). Cytogenetic location: 6q21.
Variant type: single nucleotide variant.
Coding change: c.548G>T on transcript NM_022765.4 (MANE Select); coding-DNA position 548, G replaced by T.
Protein change: p.Gly183Val; replaces glycine 183 with valine.
Molecular consequence: missense variant.
Genome position (GRCh38, 1-based): chr6:109,453,286, C>A on the plus strand (G>T on the coding strand, the complement: MICAL1 is on the minus strand). VCF-style: chr6-109453286-C-A. GRCh37 (hg19) VCF-style: chr6-109774489-C-A.
Other names: c.548G>T, p.Gly183Val (NM_001159291.2); c.605G>T, p.Gly202Val (NM_001286613.2); short protein forms G183V, G202V.
Identifiers: ClinVar variation 4762945 (VCV004762945.1).